The following is an entry in ClinVar:

NM_001201543.2(FAM161A):c.313G>T (p.Ala105Ser)

Gene: FAM161A (FAM161 centrosomal protein A; minus strand). Cytogenetic location: 2p15.
Variant type: single nucleotide variant.
Coding change: c.313G>T on transcript NM_001201543.2 (MANE Select); coding-DNA position 313, G replaced by T.
Protein change: p.Ala105Ser; replaces alanine 105 with serine.
Molecular consequence: missense variant. On other transcripts: non-coding transcript variant (1).
Genome position (GRCh38, 1-based): chr2:61,842,231, C>A on the plus strand (G>T on the coding strand, the complement: FAM161A is on the minus strand). VCF-style: chr2-61842231-C-A. GRCh37 (hg19) VCF-style: chr2-62069366-C-A.
Other names: c.313G>T, p.Ala105Ser (NM_032180.3); short protein forms A105S.
Identifiers: ClinVar variation 1431465 (VCV001431465.8), dbSNP rs545999217, ClinGen allele CA48478674.
Genomic context (GRCh38, chr2:61,842,231, plus strand): 5'-CCTTTAAATGTAATTTATCCTGGTACATTTTCTCTAATTTTGCCATAGTTTCTATGTGGG[C>A]AGCCTTCAACTCTTCTACTTTCTTGAAATACTCCTCATTAGAGTGGTGAATATCAGGAAA-3'
Protein context (NP_001188472.1, residues 95-115): YFKKVEELKA[Ala105Ser]HIETMAKLEK

ClinVar aggregate classification (germline): Uncertain significance (1 of 4 stars; one submission).

Allele frequency attached by ClinVar (database versions not stated): gnomAD exomes below 0.00001; TOPMed below 0.00001; gnomAD 0.00001 and 0.00003.

Submission:

Labcorp Genetics (formerly Invitae), Labcorp
Classification: Uncertain significance. Last evaluated: 2022-10-05. Review status: criteria provided, single submitter. Criteria: Invitae Variant Classification Sherloc (09022015). Collection method: clinical testing. Allele origin: germline.
Comment: This sequence change replaces alanine, which is neutral and non-polar, with serine, which is neutral and polar, at codon 105 of the FAM161A protein (p.Ala105Ser). This variant has not been reported in the literature in individuals affected with FAM161A-related conditions. This variant is present in population databases (rs545999217, gnomAD 0.0009%). ClinVar contains an entry for this variant (Variation ID: 1431465). In summary, the available evidence is currently insufficient to determine the role of this variant in disease. Therefore, it has been classified as a Variant of Uncertain Significance. Advanced modeling of protein sequence and biophysical properties (such as structural, functional, and spatial information, amino acid conservation, physicochemical variation, residue mobility, and thermodynamic stability) performed at Invitae indicates that this missense variant is expected to disrupt FAM161A protein function.